The following is an entry in ClinVar:

ClinVar aggregate classification (germline): Uncertain significance (1 of 4 stars; one submission).

Conditions:
Welander distal myopathy (WDM). Also called: Welander distal myopathy, Swedish type; Distal myopathy, Swedish type; Gower's muscular dystrophy; MUSCULAR DYSTROPHY, DISTAL, LATE-ONSET, AUTOSOMAL DOMINANT. Identifiers: Orphanet 603, MedGen C0221054, MONDO:0011466, OMIM 604454.

gnomAD v4.1: 1 of 1,613,884 alleles (0.000062%); highest among the groups gnomAD compares: Non-Finnish European, 0.000085%; no homozygotes.

Submission:

Labcorp Genetics (formerly Invitae), Labcorp
Classification: Uncertain significance for Welander distal myopathy. Last evaluated: 2022-11-10. Review status: criteria provided, single submitter. Criteria: Invitae Variant Classification Sherloc (09022015). Collection method: clinical testing. Allele origin: germline.
Comment: This sequence change replaces valine, which is neutral and non-polar, with leucine, which is neutral and non-polar, at codon 294 of the TIA1 protein (p.Val294Leu). This variant is present in population databases (no rsID available, gnomAD 0.0009%). This variant has not been reported in the literature in individuals affected with TIA1-related conditions. Algorithms developed to predict the effect of missense changes on protein structure and function (SIFT, PolyPhen-2, Align-GVGD) all suggest that this variant is likely to be tolerated. In summary, the available evidence is currently insufficient to determine the role of this variant in disease. Therefore, it has been classified as a Variant of Uncertain Significance.

NM_022173.4(TIA1):c.880G>T (p.Val294Leu)

Gene: TIA1 (TIA1 cytotoxic granule associated RNA binding protein; minus strand). Cytogenetic location: 2p13.3.
Variant type: single nucleotide variant.
Coding change: c.880G>T on transcript NM_022173.4 (MANE Select); coding-DNA position 880, G replaced by T.
Protein change: p.Val294Leu; replaces valine 294 with leucine.
Molecular consequence: missense variant. On other transcripts: non-coding transcript variant (17).
Genome position (GRCh38, 1-based): chr2:70,215,379, C>A on the plus strand (G>T on the coding strand, the complement: TIA1 is on the minus strand). VCF-style: chr2-70215379-C-A. GRCh37 (hg19) VCF-style: chr2-70442511-C-A.
Other names: c.847G>T, p.Val283Leu (NM_001351510.2, NM_022037.4); c.769G>T, p.Val257Leu (NM_001351511.1); c.742G>T, p.Val248Leu (NM_001351512.1); c.736G>T, p.Val246Leu (NM_001351513.1); c.652G>T, p.Val218Leu (NM_001351514.2); c.577G>T, p.Val193Leu (NM_001351515.2); c.460G>T, p.Val154Leu (NM_001351517.2, NM_001351524.2, NM_001351525.2); c.880G>T, p.Val294Leu (NM_001351508.2); and 1 more; short protein forms V154L, V246L, V257L, V285L, V248L, V283L, V294L, V193L.
Identifiers: ClinVar variation 2902666 (VCV002902666.3), dbSNP rs144296151, ClinGen allele CA347150966.
Genomic context (GRCh38, chr2:70,215,379, plus strand): 5'-AAATAACATTATTAGCCCAACAATTACTTCTCAAAGTTAAGAACCCTCTCACCTGTTGCA[C>A]GGGATTTATCATATCAAGAGTTTCTTTGCCCCAATAGCATTTCACAACATGACCTTCAAT-3'
Protein context (NP_071505.2, residues 284-304): GKETLDMINP[Val294Leu]QQQNQIGYPQ